The following is an entry in ClinVar:

NM_002471.4(MYH6):c.5753A>T (p.Gln1918Leu)

Gene: MYH6 (myosin heavy chain 6; minus strand). Cytogenetic location: 14q11.2.
Variant type: single nucleotide variant.
Coding change: c.5753A>T on transcript NM_002471.4 (MANE Select); coding-DNA position 5753, A replaced by T.
Protein change: p.Gln1918Leu; replaces glutamine 1918 with leucine.
Molecular consequence: missense variant.
Genome position (GRCh38, 1-based): chr14:23,382,471, T>A on the plus strand (A>T on the coding strand, the complement: MYH6 is on the minus strand). VCF-style: chr14-23382471-T-A. GRCh37 (hg19) VCF-style: chr14-23851680-T-A.
Other names: short protein forms Q1918L.
Identifiers: ClinVar variation 3906827 (VCV003906827.1).
Genomic context (GRCh38, chr14:23,382,471, plus strand): 5'-CCAGGGGAGGGACCCACCTTGGCACCAATGTCACGGCTCTTGGCTCGAAGCTTGTTGACC[T>A]GGGACTCAGCGATGTCCGCCCGCTCCTCTGCCTCATCCAGCTCATGCTGCACCTTGCGGA-3'
Protein context (NP_002462.2, residues 1908-1928): AEERADIAES[Gln1918Leu]VNKLRAKSRD

ClinVar aggregate classification (germline): Uncertain significance (1 of 4 stars; one submission).

gnomAD v4.1: 1 of 1,614,042 alleles (0.000062%); highest among the groups gnomAD compares: African/African-American, 0.0013%; no homozygotes.

Submission:

GeneDx
Classification: Uncertain significance. Last evaluated: 2024-12-19. Review status: criteria provided, single submitter. Criteria: GeneDx Variant Classification Process June 2021. Collection method: clinical testing. Allele origin: germline. Affected: yes.
Comment: Has not been previously published as pathogenic or benign to our knowledge; Not observed at significant frequency in large population cohorts (gnomAD); In silico analysis supports that this missense variant has a deleterious effect on protein structure/function